The following is an entry in ClinVar:

ClinVar aggregate classification (germline): Uncertain significance (1 of 4 stars; one submission).

Conditions:
Juvenile polyposis syndrome (JPS). Identifiers: Orphanet 2929, MedGen C0345893, MONDO:0017380, OMIM 174900.

Submission:

Labcorp Genetics (formerly Invitae), Labcorp
Classification: Uncertain significance for Juvenile polyposis syndrome. Last evaluated: 2022-02-21. Review status: criteria provided, single submitter. Criteria: Invitae Variant Classification Sherloc (09022015). Collection method: clinical testing. Allele origin: germline.
Comment: This sequence change replaces threonine, which is neutral and polar, with alanine, which is neutral and non-polar, at codon 275 of the BMPR1A protein (p.Thr275Ala). In summary, the available evidence is currently insufficient to determine the role of this variant in disease. Therefore, it has been classified as a Variant of Uncertain Significance. Advanced modeling of protein sequence and biophysical properties (such as structural, functional, and spatial information, amino acid conservation, physicochemical variation, residue mobility, and thermodynamic stability) performed at Invitae indicates that this missense variant is not expected to disrupt BMPR1A protein function. This variant has not been reported in the literature in individuals affected with BMPR1A-related conditions. This variant is not present in population databases (gnomAD no frequency).

NM_004329.3(BMPR1A):c.823A>G (p.Thr275Ala)

Gene: BMPR1A (bone morphogenetic protein receptor type 1A; plus strand). Cytogenetic location: 10q23.2.
Variant type: single nucleotide variant.
Coding change: c.823A>G on transcript NM_004329.3 (MANE Select); coding-DNA position 823, A replaced by G.
Protein change: p.Thr275Ala; replaces threonine 275 with alanine.
Molecular consequence: missense variant.
Genome position (GRCh38, 1-based): chr10:86,917,281, A>G. VCF-style: chr10-86917281-A-G. GRCh37 (hg19) VCF-style: chr10-88677038-A-G.
Other names: c.823A>G, p.Thr275Ala (NM_001406561.1, NM_001406562.1, NM_001406563.1 and 19 more transcripts); c.898A>G, p.Thr300Ala (NM_001406559.1); c.871A>G, p.Thr291Ala (NM_001406560.1); c.817A>G, p.Thr273Ala (NM_001406583.1); c.739A>G, p.Thr247Ala (NM_001406584.1, NM_001406585.1, NM_001406586.1 and 2 more transcripts); c.481A>G, p.Thr161Ala (NM_001406589.1); short protein forms T291A, T247A, T273A, T161A, T275A, T300A.
Identifiers: ClinVar variation 2100846 (VCV002100846.4), dbSNP rs2539604846, ClinGen allele CA377458477.
Genomic context (GRCh38, chr10:86,917,281, plus strand): 5'-GGCGAAAAAGTGGCGGTGAAAGTATTCTTTACCACTGAAGAAGCCAGCTGGTTTCGAGAA[A>G]CAGAAATCTACCAAACTGTGCTAATGCGCCATGAAAACATACTTGGTGGGTACACACTGA-3'
Protein context (NP_004320.2, residues 265-285): TTEEASWFRE[Thr275Ala]EIYQTVLMRH